The following is an entry in ClinVar:

ClinVar aggregate classification (germline): Uncertain significance (1 of 4 stars; one submission).

Conditions:
Immunodeficiency 35 (IMD35). Also called: TYK2 DEFICIENCY; Susceptibility to infection due to TYK2 deficiency; HIES WITH ATYPICAL MYCOBACTERIOSIS, AUTOSOMAL RECESSIVE; HYPER-IgE SYNDROME WITH ATYPICAL MYCOBACTERIOSIS, AUTOSOMAL RECESSIVE. Identifiers: Orphanet 331226, MedGen C1969086, MONDO:0012682, OMIM 611521.

Allele frequency attached by ClinVar (database versions not stated): gnomAD exomes 0.00001; TOPMed 0.00001; ExAC 0.00002.
gnomAD v4.1: 13 of 1,611,066 alleles (0.00081%); highest among the groups gnomAD compares: Non-Finnish European, 0.0011%; no homozygotes.

Submission:

Labcorp Genetics (formerly Invitae), Labcorp
Classification: Uncertain significance for Immunodeficiency 35. Last evaluated: 2021-08-30. Review status: criteria provided, single submitter. Criteria: Invitae Variant Classification Sherloc (09022015). Collection method: clinical testing. Allele origin: germline.
Comment: This sequence change falls in intron 19 of the TYK2 gene. It does not directly change the encoded amino acid sequence of the TYK2 protein. It affects a nucleotide within the consensus splice site of the intron. This variant is present in population databases (rs745696767, ExAC 0.005%). This variant has not been reported in the literature in individuals affected with TYK2-related conditions. Variants that disrupt the consensus splice site are a relatively common cause of aberrant splicing (PMID: 17576681, 9536098). Algorithms developed to predict the effect of sequence changes on RNA splicing suggest that this variant is not likely to affect RNA splicing. In summary, the available evidence is currently insufficient to determine the role of this variant in disease. Therefore, it has been classified as a Variant of Uncertain Significance.

Literature cited by the submitters: PubMed 17576681; PubMed 9536098.

NM_003331.5(TYK2):c.2716-3C>T

Gene: TYK2 (tyrosine kinase 2; minus strand). Cytogenetic location: 19p13.2.
Variant type: single nucleotide variant.
Coding change: c.2716-3C>T on transcript NM_003331.5 (MANE Select); 3 bases into the intron before coding-DNA position 2716, C replaced by T.
Molecular consequence: intron variant.
Genome position (GRCh38, 1-based): chr19:10,354,237, G>A on the plus strand (C>T on the coding strand, the complement: TYK2 is on the minus strand). VCF-style: chr19-10354237-G-A. GRCh37 (hg19) VCF-style: chr19-10464913-G-A.
Other names: c.2530-3C>T (NM_001385199.1); c.2626-3C>T (NM_001385205.1); c.2518-3C>T (NM_001385201.1); c.2590-3C>T (NM_001385206.1); c.2698-3C>T (NM_001385207.1); c.2632-3C>T (NM_001385202.1); c.2713-3C>T (NM_001385200.1); c.2716-3C>T (NM_001385198.1, NM_001385197.1); and 2 more.
Identifiers: ClinVar variation 1020357 (VCV001020357.6), dbSNP rs745696767, ClinGen allele CA9192937.
Genomic context (GRCh38, chr19:10,354,237, plus strand): 5'-CGCCAGTGCCGTCGTTGGTCGGATCGTAGCAGTACAAGCTGACCTTGCCGAAGTGACCCT[G>A]GTCGGGAGCGCACGAGGGTCAGCTCCACCTCCCCAATCCCTGCACCACTCCCCAACCCCC-3'